The following is an entry in ClinVar:

NM_017514.5(PLXNA3):c.2349G>A (p.Leu783=)

Gene: PLXNA3 (plexin A3; plus strand). Cytogenetic location: Xq28.
Variant type: single nucleotide variant.
Coding change: c.2349G>A on transcript NM_017514.5 (MANE Select); coding-DNA position 2349, G replaced by A.
Protein change: p.Leu783=; no amino-acid change (leucine 783 retained).
Molecular consequence: synonymous variant.
Genome position (GRCh38, 1-based): chrX:154,465,664, G>A. VCF-style: chrX-154465664-G-A. GRCh37 (hg19) VCF-style: chrX-153694007-G-A.
Identifiers: ClinVar variation 3357355 (VCV003357355.1).

ClinVar aggregate classification (germline): Likely benign (0 of 4 stars; one submission).

Conditions:
PLXNA3-related disorder. Also called: PLXNA3-related condition.

gnomAD v4.1: 5 of 1,207,913 alleles (0.00041%); highest among the groups gnomAD compares: African/African-American, 0.007%; no homozygotes.

Submission:

PreventionGenetics, part of Exact Sciences
Classification: Likely benign for PLXNA3-related condition. Last evaluated: 2023-10-23. Review status: no assertion criteria provided. Collection method: clinical testing. Allele origin: germline.
Comment: This variant is classified as likely benign based on ACMG/AMP sequence variant interpretation guidelines (Richards et al. 2015 PMID: 25741868, with internal and published modifications).